The following is an entry in ClinVar:

ClinVar aggregate classification (germline): Uncertain significance (1 of 4 stars; one submission).

Conditions:
Hereditary cancer-predisposing syndrome. Also called: Neoplastic Syndromes, Hereditary; Hereditary Cancer Syndrome; Hereditary neoplastic syndrome; Tumor predisposition. Identifiers: Orphanet 140162, MedGen C0027672, MeSH D009386, MONDO:0015356.

Submission:

Ambry Genetics
Classification: Uncertain significance for Hereditary cancer-predisposing syndrome. Last evaluated: 2023-05-23. Review status: criteria provided, single submitter. Criteria: Ambry Variant Classification Scheme 2023. Collection method: clinical testing. Allele origin: germline.
Comment: The p.H145P variant (also known as c.434A>C), located in coding exon 3 of the DICER1 gene, results from an A to C substitution at nucleotide position 434. The histidine at codon 145 is replaced by proline, an amino acid with similar properties. This amino acid position is well conserved in available vertebrate species. In addition, the in silico prediction for this alteration is inconclusive. Since supporting evidence is limited at this time, the clinical significance of this alteration remains unclear.

NM_177438.3(DICER1):c.434A>C (p.His145Pro)

Gene: DICER1 (dicer 1, ribonuclease III; minus strand). Cytogenetic location: 14q32.13.
Variant type: single nucleotide variant.
Coding change: c.434A>C on transcript NM_177438.3 (MANE Select); coding-DNA position 434, A replaced by C.
Protein change: p.His145Pro; replaces histidine 145 with proline.
Molecular consequence: missense variant. On other transcripts: 5 prime UTR variant (2), non-coding transcript variant (5), intron variant (6).
Genome position (GRCh38, 1-based): chr14:95,131,513, T>G on the plus strand (A>C on the coding strand, the complement: DICER1 is on the minus strand). VCF-style: chr14-95131513-T-G. GRCh37 (hg19) VCF-style: chr14-95597850-T-G.
Other names: c.434A>C, p.His145Pro (NM_001195573.1, NM_001271282.3, NM_001291628.2 and 15 more transcripts); c.152A>C, p.His51Pro (NM_001395686.1); c.-25A>C (NM_001395691.1); c.-1135A>C (NM_001395697.1); c.33+1002A>C (NM_001395690.1, NM_001395687.1, NM_001395689.1 and 3 more transcripts); short protein forms H51P, H145P.
Identifiers: ClinVar variation 2566188 (VCV002566188.2), dbSNP rs747179239, ClinGen allele CA390888778.
Genomic context (GRCh38, chr14:95,131,513, plus strand): 5'-AACCAAGTCAAGAACTTGTAGGGATTTATAAAGTGAAATTTCTCTACAAGTCTTACCTGG[T>G]GCTTAGTAAACTCTTGGTTCCATCTCTCTTTTGTCCAAGATGCATTTACTTCTAGGTTTG-3'
Protein context (NP_803187.1, residues 135-155): KERWNQEFTK[His145Pro]QVLIMTCYVA